The following is an entry in ClinVar:

ClinVar aggregate classification (germline): Uncertain significance (1 of 4 stars; one submission).

Submission:

GeneDx
Classification: Uncertain significance. Last evaluated: 2019-04-18. Review status: criteria provided, single submitter. Criteria: GeneDx Variant Classification Process June 2021. Collection method: clinical testing. Allele origin: germline. Affected: yes.
Comment: Not observed in large population cohorts (Lek et al., 2016); In silico analysis, which includes protein predictors and evolutionary conservation, supports that this variant does not alter protein structure/function; Has not been previously published as pathogenic or benign to our knowledge

NM_001365999.1(SZT2):c.7358G>A (p.Cys2453Tyr)

Gene: SZT2 (SZT2 subunit of KICSTOR complex; plus strand). Cytogenetic location: 1p34.2.
Variant type: single nucleotide variant.
Coding change: c.7358G>A on transcript NM_001365999.1 (MANE Select); coding-DNA position 7358, G replaced by A.
Protein change: p.Cys2453Tyr; replaces cysteine 2453 with tyrosine.
Molecular consequence: missense variant.
Genome position (GRCh38, 1-based): chr1:43,441,227, G>A. VCF-style: chr1-43441227-G-A. GRCh37 (hg19) VCF-style: chr1-43906898-G-A.
Other names: c.7187G>A, p.Cys2396Tyr (NM_015284.4); short protein forms C2396Y, C2453Y.
Identifiers: ClinVar variation 1305231 (VCV001305231.4), dbSNP rs2153935675, ClinGen allele CA340034529.